The following is an entry in ClinVar:

ClinVar aggregate classification (germline): Pathogenic (1 of 4 stars; one submission).

Submission:

Labcorp Genetics (formerly Invitae), Labcorp
Classification: Pathogenic. Last evaluated: 2022-06-27. Review status: criteria provided, single submitter. Criteria: Invitae Variant Classification Sherloc (09022015). Collection method: clinical testing. Allele origin: germline.
Comment: For these reasons, this variant has been classified as Pathogenic. This variant has not been reported in the literature in individuals affected with PDE6C-related conditions. This variant is not present in population databases (gnomAD no frequency). This sequence change creates a premature translational stop signal (p.Ile687Leufs*18) in the PDE6C gene. It is expected to result in an absent or disrupted protein product. Loss-of-function variants in PDE6C are known to be pathogenic (PMID: 19887631, 23776498, 26103963, 30080950).

Literature cited by the submitters: PubMed 19887631; PubMed 23776498; PubMed 26103963; PubMed 30080950.

NM_006204.4(PDE6C):c.2059del (p.Ile687fs)

Gene: PDE6C (phosphodiesterase 6C; plus strand). Cytogenetic location: 10q23.33.
Variant type: Deletion.
Coding change: c.2059del on transcript NM_006204.4 (MANE Select); coding-DNA position 2059, one base deleted (A; older notation c.2059delA).
Protein change: p.Ile687fs; shifts the reading frame from isoleucine 687.
Molecular consequence: frameshift variant.
Genome position (GRCh38, 1-based): chr10:93,658,923, A deleted; the last of 6 consecutive A bases (chr10:93,658,918-93,658,923); deleting any one gives the same sequence. VCF-style (leftmost placement, unchanged base first): chr10-93658917-CA-C. GRCh37 (hg19) VCF-style: chr10-95418674-CA-C.
Other names: short protein forms I687fs.
Identifiers: ClinVar variation 1451335 (VCV001451335.6), dbSNP rs2133877207, ClinGen allele CA2573145856.